The following is an entry in ClinVar:

NM_000059.4(BRCA2):c.2285A>T (p.Asp762Val)

Gene: BRCA2 (BRCA2 DNA repair associated; plus strand). Cytogenetic location: 13q13.1.
Variant type: single nucleotide variant.
Coding change: c.2285A>T on transcript NM_000059.4 (MANE Select); coding-DNA position 2285, A replaced by T.
Protein change: p.Asp762Val; replaces aspartic acid 762 with valine.
Molecular consequence: missense variant.
Genome position (GRCh38, 1-based): chr13:32,336,640, A>T. VCF-style: chr13-32336640-A-T. GRCh37 (hg19) VCF-style: chr13-32910777-A-T.
Other names: short protein forms D762V.
Identifiers: ClinVar variation 630775 (VCV000630775.7), dbSNP rs1555282600, ClinGen allele CA387771170.
Genomic context (GRCh38, chr13:32,336,640, plus strand): 5'-AACATTCAAAAGTGGAATACAGTGATACTGACTTTCAATCCCAGAAAAGTCTTTTATATG[A>T]TCATGAAAATGCCAGCACTCTTATTTTAACTCCTACTTCCAAGGATGTTCTGTCAAACCT-3'
Protein context (NP_000050.3, residues 752-772): DFQSQKSLLY[Asp762Val]HENASTLILT

ClinVar aggregate classification (germline): Conflicting classifications of pathogenicity. Review status: criteria provided, conflicting classifications (1 of 4 stars). 3 submissions from 3 submitters: Uncertain significance (2); Likely benign (1). Last evaluated 2023-03-23.

Conditions:
Hereditary cancer-predisposing syndrome. Also called: Tumor predisposition; Neoplastic Syndromes, Hereditary; Hereditary neoplastic syndrome; Hereditary Cancer Syndrome. Identifiers: Orphanet 140162, MedGen C0027672, MeSH D009386, MONDO:0015356.

Submissions (3):

University of Washington Department of Laboratory Medicine, University of Washington
Classification: Likely benign for Hereditary cancer-predisposing syndrome. Last evaluated: 2023-03-23. Review status: criteria provided, single submitter. Criteria: Dines et al. (Genet Med. 2020). Collection method: curation. Allele origin: germline.
Comment: Missense variant in a coldspot region where missense variants are very unlikely to be pathogenic (PMID:31911673).

BRCA2 exon 11 coldspot. Reclassification based on statistical prior probability.

Ambry Genetics
Classification: Uncertain significance for Hereditary cancer-predisposing syndrome. Last evaluated: 2020-06-16. Review status: criteria provided, single submitter. Criteria: Ambry Variant Classification Scheme 2023. Collection method: clinical testing. Allele origin: germline.
Comment: The p.D762V variant (also known as c.2285A>T), located in coding exon 10 of the BRCA2 gene, results from an A to T substitution at nucleotide position 2285. The aspartic acid at codon 762 is replaced by valine, an amino acid with highly dissimilar properties. This amino acid position is not well conserved in available vertebrate species. In addition, this alteration is predicted to be tolerated by in silico analysis. Since supporting evidence is limited at this time, the clinical significance of this alteration remains unclear.

Color Diagnostics, LLC DBA Color Health
Classification: Uncertain significance for Hereditary cancer-predisposing syndrome. Last evaluated: 2019-05-30. Review status: criteria provided, single submitter. Criteria: ACMG Guidelines, 2015. Collection method: clinical testing. Allele origin: germline.